The following is an entry in ClinVar:

ClinVar aggregate classification (germline): Uncertain significance (1 of 4 stars; one submission).

Conditions:
Sifrim-Hitz-Weiss syndrome (SIHIWES). Also called: CHD4 Neurodevelopmental Disorder; SIFRIM-HITZ-WEISS MULTIPLE CONGENITAL ANOMALIES-MENTAL RETARDATION SYNDROME. Identifiers: Orphanet 653712, MedGen C4310688, MONDO:0014946, OMIM 617159.

Submission:

MVZ Medizinische Genetik Mainz
Classification: Uncertain significance for Sifrim-Hitz-Weiss syndrome. Last evaluated: 2021-08-16. Review status: criteria provided, single submitter. Criteria: UK Practice Guidelines For Variant Classification V4 01 2020. Collection method: clinical testing. Allele origin: germline. Inheritance: Autosomal dominant inheritance. Affected: yes. Observed: 1 variant allele.
Comment: ACMG Criteria: PM2_SUP, PP2 (ACMG Version 3)

NM_001273.5(CHD4):c.1573G>T (p.Ala525Ser)

Gene: CHD4 (chromodomain helicase DNA binding protein 4; minus strand). Cytogenetic location: 12p13.31.
Variant type: single nucleotide variant.
Coding change: c.1573G>T on transcript NM_001273.5 (MANE Select); coding-DNA position 1573, G replaced by T.
Protein change: p.Ala525Ser; replaces alanine 525 with serine.
Molecular consequence: missense variant.
Genome position (GRCh38, 1-based): chr12:6,598,335, C>A on the plus strand (G>T on the coding strand, the complement: CHD4 is on the minus strand). VCF-style: chr12-6598335-C-A. GRCh37 (hg19) VCF-style: chr12-6707501-C-A.
Other names: c.1552G>T, p.Ala518Ser (NM_001297553.2); c.1534G>T, p.Ala512Ser (NM_001363606.2); short protein forms A512S, A518S, A525S.
Identifiers: ClinVar variation 3236782 (VCV003236782.1), dbSNP rs1037971289.